The following is an entry in ClinVar:

ClinVar aggregate classification (germline): Conflicting classifications of pathogenicity. Review status: criteria provided, conflicting classifications (1 of 4 stars). 4 submissions from 4 submitters: Uncertain significance (3); Likely benign (1). Last evaluated 2026-07-29.

Conditions:
Hereditary cancer-predisposing syndrome. Also called: Tumor predisposition; Hereditary neoplastic syndrome; Hereditary Cancer Syndrome; Neoplastic Syndromes, Hereditary. Identifiers: Orphanet 140162, MedGen C0027672, MeSH D009386, MONDO:0015356.
CTNNA1-related disorder. Also called: CTNNA1-related condition.

Submissions (4):

PreventionGenetics, part of Exact Sciences
Classification: Uncertain significance for CTNNA1-related condition. Last evaluated: 2026-07-29. Review status: criteria provided, single submitter. Criteria: ACMG Guidelines, 2015. Collection method: clinical testing. Allele origin: germline.
Comment: The CTNNA1 c.827_829dupGAG variant is predicted to result in an in-frame duplication (p.Gly276dup). To our knowledge, this variant has not been reported in the literature. This variant is reported in 0.028% of alleles in individuals of African descent in gnomAD and has conflicting interpretations in ClinVar ranging from likely benign to uncertain (Variation ID: 662155). Although we suspect that this variant may be benign, at this time, the clinical significance of this variant is uncertain due to the absence of conclusive functional and genetic evidence.

Labcorp Genetics (formerly Invitae), Labcorp
Classification: Uncertain significance. Last evaluated: 2026-01-21. Review status: criteria provided, single submitter. Criteria: Invitae Variant Classification Sherloc (09022015). Collection method: clinical testing. Allele origin: germline.
Comment: This variant, c.827_829dup, results in the insertion of 1 amino acid(s) of the CTNNA1 protein (p.Gly276dup), but otherwise preserves the integrity of the reading frame. This variant is present in population databases (rs758909445, gnomAD 0.03%). This variant has not been reported in the literature in individuals affected with CTNNA1-related conditions. ClinVar contains an entry for this variant (Variation ID: 662155). Experimental studies and prediction algorithms are not available or were not evaluated, and the functional significance of this variant is currently unknown. In summary, the available evidence is currently insufficient to determine the role of this variant in disease. Therefore, it has been classified as a Variant of Uncertain Significance.

GeneDx
Classification: Uncertain significance. Last evaluated: 2024-03-26. Review status: criteria provided, single submitter. Criteria: GeneDx Variant Classification Process June 2021. Collection method: clinical testing. Allele origin: germline. Affected: yes.
Comment: In-frame insertion of 1 amino acid in a repetitive region with no known function; Has not been previously published as pathogenic or benign to our knowledge

Ambry Genetics
Classification: Likely benign for Hereditary cancer-predisposing syndrome. Last evaluated: 2021-08-31. Review status: criteria provided, single submitter. Criteria: Ambry Variant Classification Scheme 2023. Collection method: clinical testing. Allele origin: germline.

NM_001903.5(CTNNA1):c.818GAG[5] (p.Gly276dup)

Gene: CTNNA1 (catenin alpha 1; plus strand). Cytogenetic location: 5q31.2.
Variant type: Microsatellite.
Coding change: c.818GAG[5] on transcript NM_001903.5 (MANE Select); five copies in a row of the 3-base unit GAG starting at c.818; the reference has four copies in a row; one copy, 3 bases duplicated; also written c.827_829dup.
Protein change: p.Gly276dup; duplicates glycine 276.
Molecular consequence: inframe insertion.
Genome position (GRCh38, 1-based): chr5:138,824,768-138,824,770, GAG duplicated; duplicating any 3 consecutive bases within chr5:138,824,758-138,824,770 gives the same sequence; the position shown is the placement nearest the transcript's 3' end. VCF-style (leftmost placement, unchanged base first): chr5-138824757-T-TGGA. GRCh37 (hg19) VCF-style: chr5-138160446-T-TGGA.
Other names: c.509GAG[5], p.Gly173dup (NM_001290309.3); c.449GAG[5], p.Gly153dup (NM_001290310.3); c.818GAG[5], p.Gly276dup (NM_001323982.2, NM_001323983.1, NM_001323984.2 and 3 more transcripts); c.827_829dup (NM_001903.3); c.827_829dupGAG (NM_001903.4).
Identifiers: ClinVar variation 662155 (VCV000662155.16), dbSNP rs758909445, ClinGen allele CA3431563.